The following is an entry in ClinVar:

ClinVar aggregate classification (germline): Uncertain significance (1 of 4 stars; one submission).

Allele frequency attached by ClinVar (database versions not stated): gnomAD exomes below 0.00001; TOPMed below 0.00001; gnomAD 0.00001.
gnomAD v4.1: 2 of 1,608,848 alleles (0.00012%); highest among the groups gnomAD compares: Admixed American, 0.0017%; no homozygotes.

Submission:

Labcorp Genetics (formerly Invitae), Labcorp
Classification: Uncertain significance. Last evaluated: 2021-11-28. Review status: criteria provided, single submitter. Criteria: Invitae Variant Classification Sherloc (09022015). Collection method: clinical testing. Allele origin: germline.
Comment: This sequence change replaces serine, which is neutral and polar, with glycine, which is neutral and non-polar, at codon 886 of the SI protein (p.Ser886Gly). This variant is not present in population databases (gnomAD no frequency). This variant has not been reported in the literature in individuals affected with SI-related conditions. Advanced modeling of protein sequence and biophysical properties (such as structural, functional, and spatial information, amino acid conservation, physicochemical variation, residue mobility, and thermodynamic stability) performed at Invitae indicates that this missense variant is not expected to disrupt SI protein function. In summary, the available evidence is currently insufficient to determine the role of this variant in disease. Therefore, it has been classified as a Variant of Uncertain Significance.

NM_001041.4(SI):c.2656A>G (p.Ser886Gly)

Gene: SI (sucrase-isomaltase; minus strand). Cytogenetic location: 3q26.1.
Variant type: single nucleotide variant.
Coding change: c.2656A>G on transcript NM_001041.4 (MANE Select); coding-DNA position 2656, A replaced by G.
Protein change: p.Ser886Gly; replaces serine 886 with glycine.
Molecular consequence: missense variant.
Genome position (GRCh38, 1-based): chr3:165,032,602, T>C on the plus strand (A>G on the coding strand, the complement: SI is on the minus strand). VCF-style: chr3-165032602-T-C. GRCh37 (hg19) VCF-style: chr3-164750390-T-C.
Other names: short protein forms S886G.
Identifiers: ClinVar variation 2014982 (VCV002014982.1), dbSNP rs1347440062, ClinGen allele CA355046552.
Genomic context (GRCh38, chr3:165,032,602, plus strand): 5'-TGAAATTGGAATGAGCGTTCATTGGTTGATTATTTTCCGCCACTCTAACTTCTGTAACAC[T>C]GTCTGTCAACCCAAGGATTTTTACAGTCTGAAATGCTAAGGTAGTTCCTTCCTGATATGA-3'
Protein context (NP_001032.2, residues 876-896): QTVKILGLTD[Ser886Gly]VTEVRVAENN